The following is an entry in ClinVar:

NM_014855.3(AP5Z1):c.1708-14C>T

Gene: AP5Z1 (adaptor related protein complex 5 subunit zeta 1; plus strand). Cytogenetic location: 7p22.1.
Variant type: single nucleotide variant.
Coding change: c.1708-14C>T on transcript NM_014855.3 (MANE Select); 14 bases into the intron before coding-DNA position 1708, C replaced by T.
Molecular consequence: intron variant.
Genome position (GRCh38, 1-based): chr7:4,789,818, C>T. VCF-style: chr7-4789818-C-T. GRCh37 (hg19) VCF-style: chr7-4829449-C-T.
Other names: c.1708-14C>T (LRG_1247t1); c.1240-14C>T (NM_001364858.1).
Identifiers: ClinVar variation 360334 (VCV000360334.17), dbSNP rs118139547, ClinGen allele CA4137997.

ClinVar aggregate classification (germline): Benign/Likely benign. Review status: criteria provided, multiple submitters, no conflicts (2 of 4 stars). 6 submissions from 6 submitters: Benign (2); Likely benign (2). 2 of the submissions do not count toward it. Last evaluated 2026-02-04.

Conditions:
Hereditary spastic paraplegia 48. Also called: SPASTIC PARAPLEGIA 48, AUTOSOMAL RECESSIVE; Spastic paraplegia 48. Identifiers: Orphanet 306511, MedGen C3150901, MONDO:0013342, OMIM 613647.

Allele frequency attached by ClinVar (database versions not stated): 1000 Genomes Project 30x 0.01296; 1000 Genomes Project 0.01358; TOPMed 0.01924; ESP Exome Variant Server 0.02057; gnomAD 0.02183 and 0.02228; gnomAD exomes 0.02934 and 0.02990; ExAC 0.04662.
gnomAD v4.1: 45,230 of 1,549,856 alleles (2.9%); highest among the groups gnomAD compares: South Asian, 4.2%; 899 homozygotes.

Submissions (6):

Labcorp Genetics (formerly Invitae), Labcorp
Classification: Benign for Hereditary spastic paraplegia 48. Last evaluated: 2026-02-04. Review status: criteria provided, single submitter. Criteria: Invitae Variant Classification Sherloc (09022015). Collection method: clinical testing. Allele origin: germline.

GeneDx
Classification: Likely benign. Last evaluated: 2018-08-15. Review status: criteria provided, single submitter. Criteria: GeneDx Variant Classification Process June 2021. Collection method: clinical testing. Allele origin: germline. Affected: yes.

Illumina Laboratory Services, Illumina
Classification: Benign for Hereditary spastic paraplegia 48. Last evaluated: 2018-01-13. Review status: criteria provided, single submitter. Criteria: ICSL Variant Classification Criteria 13 December 2019. Collection method: clinical testing. Allele origin: germline.
Comment: This variant was observed in the ICSL laboratory as part of a predisposition screen in an ostensibly healthy population. It had not been previously curated by ICSL or reported in the Human Gene Mutation Database (HGMD: prior to June 1st, 2018), and was therefore a candidate for classification through an automated scoring system. Utilizing variant allele frequency, disease prevalence and penetrance estimates, and inheritance mode, an automated score was calculated to assess if this variant is too frequent to cause the disease. Based on the score and internal cut-off values, a variant classified as benign is not then subjected to further curation. The score for this variant resulted in a classification of benign for this disease.

Breakthrough Genomics
Classification: Likely benign. Review status: criteria provided, single submitter. Criteria: ACMG Guidelines, 2015. Collection method: not provided. Allele origin: germline. Inheritance: Autosomal recessive inheritance. Affected: yes.

Genome Diagnostics Laboratory, University Medical Center Utrecht
Classification: Benign. Review status: no assertion criteria provided. Collection method: clinical testing. Allele origin: germline. Affected: yes. Study: VKGL Data-share Consensus. Not counted in ClinVar's aggregate classification.

Joint Genome Diagnostic Labs from Nijmegen and Maastricht, Radboudumc and MUMC+
Classification: Benign. Review status: no assertion criteria provided. Collection method: clinical testing. Allele origin: germline. Affected: yes. Study: VKGL Data-share Consensus. Not counted in ClinVar's aggregate classification.